The following is an entry in ClinVar:

ClinVar aggregate classification (germline): Conflicting classifications of pathogenicity. Review status: criteria provided, conflicting classifications (1 of 4 stars). 3 submissions from 3 submitters: Uncertain significance (2); Likely benign (1). Last evaluated 2025-09-18.

Conditions:
Fanconi anemia (FA). Also called: Fanconi's anemia. Identifiers: Orphanet 84, MedGen C0015625, MeSH D005199, MONDO:0019391.
Inborn genetic diseases. Identifiers: MedGen C0950123, MeSH D030342.

gnomAD v4.1: 2 of 1,613,266 alleles (0.00012%); highest among the groups gnomAD compares: East Asian, 0.0045%; no homozygotes.

Submissions (3):

Ambry Genetics
Classification: Likely benign for Inborn genetic diseases. Last evaluated: 2025-09-18. Review status: criteria provided, single submitter. Criteria: Ambry Variant Classification Scheme 2023. Collection method: clinical testing. Allele origin: germline.

Labcorp Genetics (formerly Invitae), Labcorp
Classification: Uncertain significance for Fanconi anemia. Last evaluated: 2024-04-10. Review status: criteria provided, single submitter. Criteria: Invitae Variant Classification Sherloc (09022015). Collection method: clinical testing. Allele origin: germline.
Comment: This sequence change replaces phenylalanine, which is neutral and non-polar, with leucine, which is neutral and non-polar, at codon 299 of the FANCA protein (p.Phe299Leu). This variant is present in population databases (rs765341703, gnomAD 0.01%). This variant has not been reported in the literature in individuals affected with FANCA-related conditions. ClinVar contains an entry for this variant (Variation ID: 643439). Advanced modeling of protein sequence and biophysical properties (such as structural, functional, and spatial information, amino acid conservation, physicochemical variation, residue mobility, and thermodynamic stability) performed at Invitae indicates that this missense variant is not expected to disrupt FANCA protein function with a negative predictive value of 80%. In summary, the available evidence is currently insufficient to determine the role of this variant in disease. Therefore, it has been classified as a Variant of Uncertain Significance.

Quest Diagnostics Nichols Institute San Juan Capistrano
Classification: Uncertain significance. Last evaluated: 2024-02-01. Review status: criteria provided, single submitter. Criteria: Quest Diagnostics criteria. Collection method: clinical testing. Allele origin: unknown.
Comment: The FANCA c.897C>G (p.Phe299Leu) variant has not been reported in individuals with FANCA-related conditions in the published literature. The frequency of this variant in the general population, 0.00016 (3/18390 chromosomes (Genome Aggregation Database)), is uninformative in the assessment of its pathogenicity. Analysis of this variant using bioinformatics tools for the prediction of the effect of amino acid changes on protein structure and function yielded predictions that this variant is benign. Based on the available information, we are unable to determine the clinical significance of this variant.

NM_000135.4(FANCA):c.897C>G (p.Phe299Leu)

Gene: FANCA (FA complementation group A; minus strand). Cytogenetic location: 16q24.3.
Variant type: single nucleotide variant.
Coding change: c.897C>G on transcript NM_000135.4 (MANE Select); coding-DNA position 897, C replaced by G.
Protein change: p.Phe299Leu; replaces phenylalanine 299 with leucine.
Molecular consequence: missense variant.
Genome position (GRCh38, 1-based): chr16:89,796,015, G>C on the plus strand (C>G on the coding strand, the complement: FANCA is on the minus strand). VCF-style: chr16-89796015-G-C. GRCh37 (hg19) VCF-style: chr16-89862423-G-C.
Other names: c.897C>G (LRG_495t1, NM_000135.3); c.897C>G, p.Phe299Leu (NM_001286167.3); short protein forms F299L.
Identifiers: ClinVar variation 643439 (VCV000643439.7), dbSNP rs765341703, ClinGen allele CA8252641.